The following is an entry in ClinVar:

ClinVar aggregate classification (germline): Benign/Likely benign. Review status: criteria provided, multiple submitters, no conflicts (2 of 4 stars). 5 submissions from 4 submitters: Benign (2); Likely benign (3). Last evaluated 2025-12-15.

Conditions:
Autosomal dominant nonsyndromic hearing loss 17. Also called: Deafness, autosomal dominant 17; Autosomal dominant nonsyndromic deafness 17. Identifiers: Orphanet 90635, MedGen C1863659, MONDO:0011350, OMIM 603622.
MYH9-related disorder. Identifiers: MedGen C1854520.
Macrothrombocytopenia and granulocyte inclusions with or without nephritis or sensorineural hearing loss (MATINS). Also called: BLEEDING DISORDER, PLATELET-TYPE, 6; MAY-HEGGLIN ANOMALY; DOHLE LEUKOCYTE INCLUSIONS WITH GIANT PLATELETS; MACROTHROMBOCYTOPENIA WITH LEUKOCYTE INCLUSIONS; SEBASTIAN PLATELET SYNDROME; MACROTHROMBOCYTOPENIA WITH DISPERSED LEUKOCYTIC INCLUSIONS. Identifiers: Orphanet 182050, MedGen C5200934, MONDO:0015912, OMIM 155100.

Allele frequency attached by ClinVar (database versions not stated): gnomAD exomes 0.00016 and 0.00029; ExAC 0.00021; gnomAD 0.00038; ESP Exome Variant Server 0.00046; TOPMed 0.00051; 1000 Genomes Project 0.00120.

Submissions (5):

Labcorp Genetics (formerly Invitae), Labcorp
Classification: Benign. Last evaluated: 2025-12-15. Review status: criteria provided, single submitter. Criteria: Invitae Variant Classification Sherloc (09022015). Collection method: clinical testing. Allele origin: germline.

Blueprint Genetics
Classification: Likely benign. Last evaluated: 2024-05-27. Review status: criteria provided, single submitter. Criteria: ACMG Guidelines, 2015. Collection method: clinical testing. Allele origin: germline.

Fulgent Genetics
Classification: Likely benign for Macrothrombocytopenia and granulocyte inclusions with or without nephritis or sensorineural hearing loss; Autosomal dominant nonsyndromic hearing loss 17. Last evaluated: 2021-10-25. Review status: criteria provided, single submitter. Criteria: ACMG Guidelines, 2015. Collection method: clinical testing. Allele origin: unknown.

Illumina Laboratory Services, Illumina
Classification: Likely benign for Autosomal dominant nonsyndromic hearing loss 17. Last evaluated: 2018-01-12. Review status: criteria provided, single submitter. Criteria: ICSL Variant Classification Criteria 13 December 2019. Collection method: clinical testing. Allele origin: germline.
Comment: This variant was observed in the ICSL laboratory as part of a predisposition screen in an ostensibly healthy population. It had not been previously curated by ICSL or reported in the Human Gene Mutation Database (HGMD: prior to June 1st, 2018), and was therefore a candidate for classification through an automated scoring system. Utilizing variant allele frequency, disease prevalence and penetrance estimates, and inheritance mode, an automated score was calculated to assess if this variant is too frequent to cause the disease. Based on the score and internal cut-off values, a variant classified as likely benign is not then subjected to further curation. The score for this variant resulted in a classification of likely benign for this disease.

Illumina Laboratory Services, Illumina
Classification: Benign for MYH9-related disorder. Last evaluated: 2018-01-12. Review status: criteria provided, single submitter. Criteria: ICSL Variant Classification Criteria 13 December 2019. Collection method: clinical testing. Allele origin: germline.
Comment: This variant was observed in the ICSL laboratory as part of a predisposition screen in an ostensibly healthy population. It had not been previously curated by ICSL or reported in the Human Gene Mutation Database (HGMD: prior to June 1st, 2018), and was therefore a candidate for classification through an automated scoring system. Utilizing variant allele frequency, disease prevalence and penetrance estimates, and inheritance mode, an automated score was calculated to assess if this variant is too frequent to cause the disease. Based on the score and internal cut-off values, a variant classified as benign is not then subjected to further curation. The score for this variant resulted in a classification of benign for this disease.

NM_002473.6(MYH9):c.5765+9C>T

Gene: MYH9 (myosin heavy chain 9; minus strand). Cytogenetic location: 22q12.3.
Variant type: single nucleotide variant.
Coding change: c.5765+9C>T on transcript NM_002473.6 (MANE Select); 9 bases into the intron after coding-DNA position 5765, C replaced by T.
Molecular consequence: intron variant.
Genome position (GRCh38, 1-based): chr22:36,284,084, G>A on the plus strand (C>T on the coding strand, the complement: MYH9 is on the minus strand). VCF-style: chr22-36284084-G-A. GRCh37 (hg19) VCF-style: chr22-36680130-G-A.
Identifiers: ClinVar variation 341491 (VCV000341491.11), dbSNP rs201008102, ClinGen allele CA10208936.
Genomic context (GRCh38, chr22:36,284,084, plus strand): 5'-TGGTTGAGGAACAAGCTACCTTTTGAGAGAAGTGCCGAGGCAAAGGGGCGGGTGGGCAGG[G>A]CGGCTCACCTGAGCTTGTTCTTTAGGGAGCTGACTTCGCGGTTCATGGCATCGGCCGTCT-3'